The following is an entry in ClinVar:

ClinVar aggregate classification (germline): Uncertain significance. Review status: criteria provided, multiple submitters, no conflicts (2 of 4 stars). 2 submissions from 2 submitters: Uncertain significance (2). Last evaluated 2024-06-14.

Conditions:
Hereditary cancer-predisposing syndrome. Also called: Tumor predisposition; Hereditary neoplastic syndrome; Hereditary Cancer Syndrome; Neoplastic Syndromes, Hereditary. Identifiers: Orphanet 140162, MedGen C0027672, MeSH D009386, MONDO:0015356.

Submissions (2):

Color Diagnostics, LLC DBA Color Health
Classification: Uncertain significance for Hereditary cancer-predisposing syndrome. Last evaluated: 2024-06-14. Review status: criteria provided, single submitter. Criteria: ACMG Guidelines, 2015. Collection method: clinical testing. Allele origin: germline.
Comment: This missense variant replaces proline with serine at codon 1785 of the ATM protein. Computational prediction suggests that this variant may not impact protein structure and function. To our knowledge, functional studies have not been reported for this variant. This variant has not been reported in individuals affected with ATM-related disorders in the literature. This variant has not been identified in the general population by the Genome Aggregation Database (gnomAD). The available evidence is insufficient to determine the role of this variant in disease conclusively. Therefore, this variant is classified as a Variant of Uncertain Significance.

Ambry Genetics
Classification: Uncertain significance for Hereditary cancer-predisposing syndrome. Last evaluated: 2024-02-05. Review status: criteria provided, single submitter. Criteria: Ambry Variant Classification Scheme 2023. Collection method: clinical testing. Allele origin: germline.
Comment: The p.P1785S variant (also known as c.5353C>T), located in coding exon 35 of the ATM gene, results from a C to T substitution at nucleotide position 5353. The proline at codon 1785 is replaced by serine, an amino acid with similar properties. This amino acid position is conserved. In addition, this alteration is predicted to be tolerated by in silico analysis. Based on the available evidence, the clinical significance of this alteration remains unclear.

NM_000051.4(ATM):c.5353C>T (p.Pro1785Ser)

Gene: ATM (ATM serine/threonine kinase; plus strand). Cytogenetic location: 11q22.3.
Variant type: single nucleotide variant.
Coding change: c.5353C>T on transcript NM_000051.4 (MANE Select); coding-DNA position 5353, C replaced by T.
Protein change: p.Pro1785Ser; replaces proline 1785 with serine.
Molecular consequence: missense variant.
Genome position (GRCh38, 1-based): chr11:108,302,886, C>T. VCF-style: chr11-108302886-C-T. GRCh37 (hg19) VCF-style: chr11-108173613-C-T.
Other names: c.5353C>T, p.Pro1785Ser (NM_001351834.2); short protein forms P1785S.
Identifiers: ClinVar variation 3221776 (VCV003221776.2), dbSNP rs587779848, ClinGen allele CA382543276.
Genomic context (GRCh38, chr11:108,302,886, plus strand): 5'-TACATTTTCTAATCCCTTTCTTTCTAGTTTTTAGAAGTACCCAGATTTGACAAAGAAAAC[C>T]CTTTTGAAGGCCTGGATGATATAAATCTGTGGATTCCTCTAAGTGAAAATCATGACATTT-3'
Protein context (NP_000042.3, residues 1775-1795): LEVPRFDKEN[Pro1785Ser]FEGLDDINLW